The following is an entry in ClinVar:

NM_000540.3(RYR1):c.6932C>T (p.Pro2311Leu)

Gene: RYR1 (ryanodine receptor 1; plus strand). Cytogenetic location: 19q13.2.
Variant type: single nucleotide variant.
Coding change: c.6932C>T on transcript NM_000540.3 (MANE Select); coding-DNA position 6932, C replaced by T.
Protein change: p.Pro2311Leu; replaces proline 2311 with leucine.
Molecular consequence: missense variant.
Genome position (GRCh38, 1-based): chr19:38,499,148, C>T. VCF-style: chr19-38499148-C-T. GRCh37 (hg19) VCF-style: chr19-38989788-C-T.
Other names: c.6932C>T, p.Pro2311Leu (NM_001042723.2); short protein forms P2311L.
Identifiers: ClinVar variation 4532385 (VCV004532385.2).

ClinVar aggregate classification (germline): Uncertain significance. Review status: criteria provided, multiple submitters, no conflicts (2 of 4 stars). 2 submissions from 2 submitters: Uncertain significance (2). Last evaluated 2025-07-01.

Conditions:
Malignant hyperthermia, susceptibility to, 1 (MHS1). Also called: Anesthesia related hyperthermia; Malignant hyperpyrexia; Fulminating hyperpyrexia; Pharmacogenic myopathy; Malignant hyperthermia suceptibility 1; RYR1-Related Malignant Hyperthermia Susceptibility. Identifiers: Orphanet 423, MedGen C2930980, MONDO:0007783, OMIM 145600.

gnomAD v4.1: 5 of 1,614,054 alleles (0.00031%); highest among the groups gnomAD compares: African/African-American, 0.0067%; no homozygotes.

Submissions (2):

Color Diagnostics, LLC DBA Color Health
Classification: Uncertain significance for Malignant hyperthermia, susceptibility to, 1. Last evaluated: 2025-07-01. Review status: criteria provided, single submitter. Criteria: ACMG Guidelines, 2015. Collection method: clinical testing. Allele origin: germline.
Comment: This missense variant replaces proline with leucine at codon 2311 of the RYR1 protein. Computational prediction suggests that this variant may not impact protein structure and function. To our knowledge, functional studies have not been reported for this variant. This variant has not been reported in individuals affected with RYR1-related disorders in the literature. This variant has been identified in 4/251330 chromosomes in the general population by the Genome Aggregation Database (gnomAD). The available evidence is insufficient to determine the role of this variant in disease conclusively. Therefore, this variant is classified as a Variant of Uncertain Significance.

GeneDx
Classification: Uncertain significance. Last evaluated: 2025-05-25. Review status: criteria provided, single submitter. Criteria: GeneDx Variant Classification Process June 2021. Collection method: clinical testing. Allele origin: germline. Affected: yes.
Comment: In silico analysis supports that this missense variant has a deleterious effect on protein structure/function; Has not been previously published as pathogenic or benign to our knowledge; This variant is associated with the following publications: (PMID: 12668474, 33767344)